The following is an entry in ClinVar:

NM_000138.5(FBN1):c.1666del (p.Val556fs)

Gene: FBN1 (fibrillin 1; minus strand). Cytogenetic location: 15q21.1.
Variant type: Deletion.
Coding change: c.1666del on transcript NM_000138.5 (MANE Select); coding-DNA position 1666, one base deleted (G; older notation c.1666delG).
Protein change: p.Val556fs; shifts the reading frame from valine 556.
Molecular consequence: frameshift variant.
Genome position (GRCh38, 1-based): chr15:48,510,092, C deleted on the plus strand (G on the coding strand, the reverse complement: FBN1 is on the minus strand). VCF-style (leftmost placement, unchanged base first): chr15-48510091-AC-A. GRCh37 (hg19) VCF-style: chr15-48802288-AC-A.
Other names: c.1666del, p.Val556fs (NM_001406716.1); short protein forms V556fs.
Identifiers: ClinVar variation 3382008 (VCV003382008.2).

ClinVar aggregate classification (germline): Pathogenic (1 of 4 stars; one submission).

Conditions:
Marfan syndrome (MFS). Also called: MARFAN SYNDROME, TYPE I; Marfan syndrome type 1; Marfan's syndrome; FBN1-Related Marfan Syndrome; Marfan syndrome, classic. Identifiers: Orphanet 284963, Orphanet 558, MedGen C0024796, MONDO:0007947, OMIM 154700.

Submission:

Juno Genomics, Hangzhou Juno Genomics, Inc
Classification: Pathogenic for Marfan syndrome. Review status: criteria provided, single submitter. Criteria: ACMG Guidelines, 2015. Collection method: clinical testing. Allele origin: germline. Affected: yes.
Comment: Absent from controls (or at extremely low frequency if recessive) in Genome Aggregation Database, Exome Sequencing Project, 1000 Genomes Project, or Exome Aggregation Consortium.;Null variant in a gene where loss of function (LOF) is a known mechanism of disease.;Assumed de novo, but without confirmation of paternity and maternity.